The following is an entry in ClinVar:

NM_032119.4(ADGRV1):c.14722A>G (p.Met4908Val)

Gene: ADGRV1 (adhesion G protein-coupled receptor V1; plus strand). Cytogenetic location: 5q14.3.
Variant type: single nucleotide variant.
Coding change: c.14722A>G on transcript NM_032119.4 (MANE Select); coding-DNA position 14722, A replaced by G.
Protein change: p.Met4908Val; replaces methionine 4908 with valine.
Molecular consequence: missense variant. On other transcripts: non-coding transcript variant (1).
Genome position (GRCh38, 1-based): chr5:90,805,344, A>G. VCF-style: chr5-90805344-A-G. GRCh37 (hg19) VCF-style: chr5-90101161-A-G.
Other names: short protein forms M4908V.
Identifiers: ClinVar variation 3383755 (VCV003383755.1).
Genomic context (GRCh38, chr5:90,805,344, plus strand): 5'-GTCGGATTTGAATCCACTGCTTTTCAACTCATGAACATCACTGCTGGCACAAGCCACGTT[A>G]TGATTTCTAGGAGAGGCACATATGGAGCTCTCTCGGTTGCCTGGACCACTGGATATGCTC-3'
Protein context (NP_115495.3, residues 4898-4918): MNITAGTSHV[Met4908Val]ISRRGTYGAL

ClinVar aggregate classification (germline): Uncertain significance (1 of 4 stars; one submission).

Submission:

GeneDx
Classification: Uncertain significance. Last evaluated: 2024-05-31. Review status: criteria provided, single submitter. Criteria: GeneDx Variant Classification Process June 2021. Collection method: clinical testing. Allele origin: germline. Affected: yes.
Comment: Not observed at significant frequency in large population cohorts (gnomAD); In silico analysis indicates that this missense variant does not alter protein structure/function; Has not been previously published as pathogenic or benign to our knowledge